The following is an entry in ClinVar:

NM_001110556.2(FLNA):c.4625C>T (p.Thr1542Ile)

Gene: FLNA (filamin A; minus strand). Cytogenetic location: Xq28.
Variant type: single nucleotide variant.
Coding change: c.4625C>T on transcript NM_001110556.2 (MANE Select); coding-DNA position 4625, C replaced by T.
Protein change: p.Thr1542Ile; replaces threonine 1542 with isoleucine.
Molecular consequence: missense variant.
Genome position (GRCh38, 1-based): chrX:154,358,329, G>A on the plus strand (C>T on the coding strand, the complement: FLNA is on the minus strand). VCF-style: chrX-154358329-G-A. GRCh37 (hg19) VCF-style: chrX-153586697-G-A.
Other names: c.4625C>T, p.Thr1542Ile (NM_001456.4); short protein forms T1542I.
Identifiers: ClinVar variation 1500525 (VCV001500525.11), dbSNP rs782281134, ClinGen allele CA10560493.

ClinVar aggregate classification (germline): Conflicting classifications of pathogenicity. Review status: criteria provided, conflicting classifications (1 of 4 stars). 3 submissions from 3 submitters: Uncertain significance (2); Benign (1). Last evaluated 2025-06-17.

Conditions:
Oto-palato-digital syndrome, type II (OPD2). Also called: FACIOPALATOOSSEOUS SYNDROME; OPD II SYNDROME; Otopalatodigital Syndrome, Type II; Otopalatodigital Syndrome Type 2 (FLNA-OPD2). Identifiers: Orphanet 669, Orphanet 90652, MedGen C1844696, MONDO:0010571, OMIM 304120.
Heterotopia, periventricular, X-linked dominant (PVNH1). Also called: PERIVENTRICULAR NODULAR HETEROTOPIA 4; HETEROTOPIA, PERIVENTRICULAR, 1; PERIVENTRICULAR NODULAR HETEROTOPIA 1; X-linked periventricular heterotopia. Identifiers: Orphanet 2149, Orphanet 82004, MedGen C1848213, MONDO:0010233, OMIM 300049.
Melnick-Needles syndrome (MNS). Also called: MELNICK-NEEDLES OSTEODYSPLASTY; OSTEODYSPLASTY OF MELNICK AND NEEDLES; Melnick-Needles Syndrome (FLNA-MNS). Identifiers: Orphanet 2484, MedGen C0025237, MONDO:0010650, OMIM 309350.
Frontometaphyseal dysplasia (FMD1). Identifiers: Orphanet 1826, MedGen C0265293, MONDO:0015942.
Terminal osseous dysplasia-pigmentary defects syndrome. Also called: ODPF SYNDROME; OSSEOUS DYSPLASIA, DIGITAL, WITH FACIAL PIGMENTARY DEFECTS AND MULTIPLE FRENULA; ODPD; TERMINAL OSSEOUS DYSPLASIA AND PIGMENTARY DEFECTS; Terminal Osseous Dysplasia (FLNA-TOD). Identifiers: Orphanet 88630, MedGen C1846129, MONDO:0010279, OMIM 300244.
Frontometaphyseal dysplasia 1 (FMD1). Also called: Frontometaphyseal Dysplasia (FLNA-FMD). Identifiers: Orphanet 1826, MedGen C4281559, MONDO:0024550, OMIM 305620.
Oto-palato-digital syndrome, type I (OPD1). Also called: OPD I SYNDROME; OPD SYNDROME 1; Taybi syndrome; Otopalatodigital Syndrome, Type I; Otopalatodigital Syndrome Type 1 (FLNA-OPD1). Identifiers: Orphanet 669, Orphanet 90650, MedGen C0265251, MONDO:0010704, OMIM 311300.
Cardiac valvular dysplasia, X-linked (CVDPX). Also called: Congenital valvular dysplasia; Isolated X-Linked Cardiac Valvular Dysplasia; FLNA-Related X-linked Cardiac Valvular Dysplasia; MYXOMATOUS VALVULAR DYSTROPHY, X-LINKED; VALVULAR HEART DISEASE, CONGENITAL. Identifiers: Orphanet 1864, Orphanet 555877, Orphanet 75497, MedGen C0262436, MONDO:0010753, OMIM 314400.
FG syndrome 2 (FGS2). Identifiers: MedGen C1845902, MONDO:0010297, OMIM 300321.
Intestinal pseudoobstruction, neuronal, chronic idiopathic, X-linked (CIIPX). Also called: FLNA-Related Periventricular Nodular Heterotopia (FLNA-Related PVNH; Huttenlocher Syndrome); CONGENITAL IDIOPATHIC INTESTINAL PSEUDOOBSTRUCTION; INTESTINAL PSEUDOOBSTRUCTION, NEURONAL, CHRONIC IDIOPATHIC, WITH CENTRAL NERVOUS SYSTEM INVOLVEMENT. Identifiers: Orphanet 2301, MedGen C2746068, MONDO:0010232, OMIM 300048.

Allele frequency attached by ClinVar (database versions not stated): TOPMed below 0.00001; gnomAD 0.00001; gnomAD exomes 0.00001 and 0.00003; ExAC 0.00003.
gnomAD v4.1: 6 of 1,210,142 alleles (0.0005%); highest among the groups gnomAD compares: Admixed American, 0.013%; no homozygotes.

Submissions (3):

Labcorp Genetics (formerly Invitae), Labcorp
Classification: Benign for Oto-palato-digital syndrome, type II; Heterotopia, periventricular, X-linked dominant; Frontometaphyseal dysplasia; Melnick-Needles syndrome. Last evaluated: 2025-06-17. Review status: criteria provided, single submitter. Criteria: Invitae Variant Classification Sherloc (09022015). Collection method: clinical testing. Allele origin: germline.

Women's Health and Genetics/Laboratory Corporation of America, LabCorp
Classification: Uncertain significance. Last evaluated: 2023-01-25. Review status: criteria provided, single submitter. Criteria: LabCorp Variant Classification Summary - May 2015. Collection method: clinical testing. Allele origin: germline.
Comment: Variant summary: FLNA c.4625C>T (p.Thr1542Ile) results in a non-conservative amino acid change in the encoded protein sequence. Five of five in-silico tools predict a damaging effect of the variant on protein function. The variant allele was found at a frequency of 2.8e-05 in 181261 control chromosomes (gnomAD). The available data on variant occurrences in the general population are insufficient to allow any conclusion about variant significance. c.4625C>T has been reported in the literature in an individual affected with Single Suture Craniosynostosis, however authors classified the variant as uncertain significance (example: Clarke_2018). These report(s) do not provide unequivocal conclusions about association of the variant with Periventricular Nodular Heterotopia 1. To our knowledge, no experimental evidence demonstrating an impact on protein function has been reported. Two clinical diagnostic laboratories have submitted clinical-significance assessments for this variant to ClinVar after 2014 and all classified the variant as uncertain significance. Based on the evidence outlined above, the variant was classified as uncertain significance.

Fulgent Genetics
Classification: Uncertain significance for Intestinal pseudoobstruction, neuronal, chronic idiopathic, X-linked; Heterotopia, periventricular, X-linked dominant; Terminal osseous dysplasia-pigmentary defects syndrome; FG syndrome 2; Oto-palato-digital syndrome, type II; Frontometaphyseal dysplasia 1; Melnick-Needles syndrome; Oto-palato-digital syndrome, type I; Cardiac valvular dysplasia, X-linked. Last evaluated: 2021-07-08. Review status: criteria provided, single submitter. Criteria: ACMG Guidelines, 2015. Collection method: clinical testing. Allele origin: unknown.

Literature cited by the submitters: PubMed 29168297 (cited by Women's Health and Genetics/Laboratory Corporation of America, LabCorp).